The following is an entry in ClinVar:

ClinVar aggregate classification (germline): Uncertain significance. Review status: criteria provided, multiple submitters, no conflicts (2 of 4 stars). 2 submissions from 2 submitters: Uncertain significance (2). Last evaluated 2024-06-26.

Conditions:
Early-infantile DEE. Also called: Early infantile epileptic encephalopathy; Ohtahara syndrome; Early infantile epileptic encephalopathy with suppression bursts. Identifiers: Orphanet 1934, MedGen C0393706, MONDO:0800491.
Inborn genetic diseases. Identifiers: MedGen C0950123, MeSH D030342.

Allele frequency attached by ClinVar (database versions not stated): ExAC 0.00001; gnomAD 0.00001; TOPMed 0.00001.
gnomAD v4.1: 8 of 1,613,942 alleles (0.0005%); highest among the groups gnomAD compares: East Asian, 0.0045%; no homozygotes.

Submissions (2):

Labcorp Genetics (formerly Invitae), Labcorp
Classification: Uncertain significance for Early-infantile DEE. Last evaluated: 2024-06-26. Review status: criteria provided, single submitter. Criteria: Invitae Variant Classification Sherloc (09022015). Collection method: clinical testing. Allele origin: germline.
Comment: This sequence change replaces arginine, which is basic and polar, with glutamine, which is neutral and polar, at codon 950 of the SPTAN1 protein (p.Arg950Gln). This variant is not present in population databases (gnomAD no frequency). This variant has not been reported in the literature in individuals affected with SPTAN1-related conditions. ClinVar contains an entry for this variant (Variation ID: 2526944). Advanced modeling of protein sequence and biophysical properties (such as structural, functional, and spatial information, amino acid conservation, physicochemical variation, residue mobility, and thermodynamic stability) has been performed at Invitae for this missense variant, however the output from this modeling did not meet the statistical confidence thresholds required to predict the impact of this variant on SPTAN1 protein function. In summary, the available evidence is currently insufficient to determine the role of this variant in disease. Therefore, it has been classified as a Variant of Uncertain Significance.

Ambry Genetics
Classification: Uncertain significance for Inborn genetic diseases. Last evaluated: 2023-03-20. Review status: criteria provided, single submitter. Criteria: Ambry Variant Classification Scheme 2023. Collection method: clinical testing. Allele origin: germline.

NM_001130438.3(SPTAN1):c.2849G>A (p.Arg950Gln)

Gene: SPTAN1 (spectrin alpha, non-erythrocytic 1; plus strand). Cytogenetic location: 9q34.11.
Variant type: single nucleotide variant.
Coding change: c.2849G>A on transcript NM_001130438.3 (MANE Select); coding-DNA position 2849, G replaced by A.
Protein change: p.Arg950Gln; replaces arginine 950 with glutamine.
Molecular consequence: missense variant.
Genome position (GRCh38, 1-based): chr9:128,587,676, G>A. VCF-style: chr9-128587676-G-A. GRCh37 (hg19) VCF-style: chr9-131349955-G-A.
Other names: c.2849G>A, p.Arg950Gln (NM_001375314.2, NM_003127.4, NM_001195532.2 and 5 more transcripts); c.2885G>A, p.Arg962Gln (NM_001375318.1, NM_001375312.2); short protein forms R950Q, R962Q.
Identifiers: ClinVar variation 2526944 (VCV002526944.4), dbSNP rs771356826, ClinGen allele CA5264739.